The following is an entry in ClinVar:

NM_032043.3(BRIP1):c.2492+1G>C

Gene: BRIP1 (BRCA1 interacting DNA helicase 1; minus strand). Cytogenetic location: 17q23.2.
Variant type: single nucleotide variant.
Coding change: c.2492+1G>C on transcript NM_032043.3 (MANE Select); the canonical splice donor site of the intron after coding-DNA position 2492, G replaced by C.
Molecular consequence: splice donor variant.
Genome position (GRCh38, 1-based): chr17:61,715,950, C>G on the plus strand (G>C on the coding strand, the complement: BRIP1 is on the minus strand). VCF-style: chr17-61715950-C-G. GRCh37 (hg19) VCF-style: chr17-59793311-C-G.
Identifiers: ClinVar variation 617770 (VCV000617770.14), dbSNP rs1567755539, ClinGen allele CA400479378.

ClinVar aggregate classification (germline): Likely pathogenic. Review status: criteria provided, multiple submitters, no conflicts (2 of 4 stars). 4 submissions from 4 submitters: Likely pathogenic (4). Last evaluated 2025-12-04.

Conditions:
Familial cancer of breast. Also called: hereditary breast carcinoma; Hereditary breast cancer; BREAST CANCER, FAMILIAL. Identifiers: Orphanet 227535, MedGen C0346153, MONDO:0016419, OMIM 114480. Disease mechanism: loss of function.
Hereditary cancer-predisposing syndrome. Also called: Neoplastic Syndromes, Hereditary; Hereditary neoplastic syndrome; Hereditary Cancer Syndrome; Tumor predisposition. Identifiers: Orphanet 140162, MedGen C0027672, MeSH D009386, MONDO:0015356.
Fanconi anemia complementation group J. Also called: BRIP1-Related Fanconi Anemia. Identifiers: Orphanet 84, MedGen C1836860, MONDO:0012187, OMIM 609054.

Submissions (4):

Ambry Genetics
Classification: Likely pathogenic for Hereditary cancer-predisposing syndrome. Last evaluated: 2025-12-04. Review status: criteria provided, single submitter. Criteria: Ambry Variant Classification Scheme 2023. Collection method: clinical testing. Allele origin: germline.
Comment: The c.2492+1G>C intronic variant results from a G to C substitution one nucleotide after coding exon 16 of the BRIP1 gene. This nucleotide position is highly conserved in available vertebrate species. In silico splice site analysis predicts that this alteration will weaken the native splice donor site; however, direct evidence is insufficient at this time (Ambry internal data) Another alteration impacting the same donor site (c.2492+2dupT) has been detected in an individual with Fanconi Anemia type J (Levitus M et al. Nat. Genet. 2005 Sep; 37(9):934-5). This variant is considered to be rare based on population cohorts in the Genome Aggregation Database (gnomAD). Alterations that disrupt the canonical splice site are expected to cause aberrant splicing, resulting in an abnormal protein or a transcript that is subject to nonsense-mediated mRNA decay. As such, this alteration is classified as likely pathogenic.

Labcorp Genetics (formerly Invitae), Labcorp
Classification: Likely pathogenic for Familial cancer of breast; Fanconi anemia complementation group J. Last evaluated: 2024-05-15. Review status: criteria provided, single submitter. Criteria: Invitae Variant Classification Sherloc (09022015). Collection method: clinical testing. Allele origin: germline.
Comment: This sequence change affects a donor splice site in intron 17 of the BRIP1 gene. It is expected to disrupt RNA splicing. Variants that disrupt the donor or acceptor splice site typically lead to a loss of protein function (PMID: 16199547), and loss-of-function variants in BRIP1 are known to be pathogenic (PMID: 16116423, 17033622, 21964575). This variant is not present in population databases (gnomAD no frequency). This variant has not been reported in the literature in individuals affected with BRIP1-related conditions. ClinVar contains an entry for this variant (Variation ID: 617770). RNA analysis provides insufficient evidence to determine the effect of this variant on BRIP1 splicing (Invitae). Algorithms developed to predict the effect of sequence changes on RNA splicing suggest that this variant may disrupt the consensus splice site. In summary, the currently available evidence indicates that the variant is pathogenic, but additional data are needed to prove that conclusively. Therefore, this variant has been classified as Likely Pathogenic.

Myriad Genetics, Inc.
Classification: Likely pathogenic for Familial cancer of breast. Last evaluated: 2023-06-07. Review status: criteria provided, single submitter. Criteria: Myriad Autosomal Dominant, Autosomal Recessive and X-Linked Classification Criteria (2023). Collection method: clinical testing. Allele origin: unknown.
Comment: This variant is considered likely pathogenic. This variant occurs within a consensus splice junction and is predicted to result in abnormal mRNA splicing of either an out-of-frame exon or an in-frame exon necessary for protein stability and/or normal function.

Department of Molecular Diagnostics, Institute of Oncology Ljubljana
Classification: Likely pathogenic for Hereditary cancer-predisposing syndrome. Last evaluated: 2018-10-24. Review status: criteria provided, single submitter. Criteria: ACMG Guidelines, 2015. Collection method: clinical testing. Allele origin: germline. Affected: yes.

Literature cited by the submitters: PubMed 16199547 (cited by Labcorp Genetics (formerly Invitae), Labcorp); PubMed 16116423 (cited by Labcorp Genetics (formerly Invitae), Labcorp); PubMed 17033622 (cited by Labcorp Genetics (formerly Invitae), Labcorp); PubMed 21964575 (cited by Labcorp Genetics (formerly Invitae), Labcorp).